The following is an entry in ClinVar:

NM_004304.5(ALK):c.1184G>T (p.Arg395Leu)

Gene: ALK (ALK receptor tyrosine kinase; minus strand). Cytogenetic location: 2p23.2.
Variant type: single nucleotide variant.
Coding change: c.1184G>T on transcript NM_004304.5 (MANE Select); coding-DNA position 1184, G replaced by T.
Protein change: p.Arg395Leu; replaces arginine 395 with leucine.
Molecular consequence: missense variant.
Genome position (GRCh38, 1-based): chr2:29,383,830, C>A on the plus strand (G>T on the coding strand, the complement: ALK is on the minus strand). VCF-style: chr2-29383830-C-A. GRCh37 (hg19) VCF-style: chr2-29606696-C-A.
Other names: short protein forms R395L.
Identifiers: ClinVar variation 4827116 (VCV004827116.1).

ClinVar aggregate classification (germline): Uncertain significance (1 of 4 stars; one submission).

Conditions:
Hereditary cancer-predisposing syndrome. Also called: Neoplastic Syndromes, Hereditary; Tumor predisposition; Hereditary Cancer Syndrome; Hereditary neoplastic syndrome. Identifiers: Orphanet 140162, MedGen C0027672, MeSH D009386, MONDO:0015356.

Submission:

Ambry Genetics
Classification: Uncertain significance for Hereditary cancer-predisposing syndrome. Last evaluated: 2026-03-13. Review status: criteria provided, single submitter. Criteria: Ambry Variant Classification Scheme 2023. Collection method: clinical testing. Allele origin: germline.
Comment: The p.R395L variant (also known as c.1184G>T), located in coding exon 5 of the ALK gene, results from a G to T substitution at nucleotide position 1184. The arginine at codon 395 is replaced by leucine, an amino acid with dissimilar properties. This amino acid position is conserved. In addition, this alteration is predicted to be tolerated by in silico analysis. Based on the available evidence, the clinical significance of this variant remains unclear.